The following is an entry in ClinVar:

ClinVar aggregate classification (germline): Uncertain significance (1 of 4 stars; one submission).

Conditions:
Cardiovascular phenotype. Identifiers: MedGen CN230736.

Submission:

Ambry Genetics
Classification: Uncertain significance for Cardiovascular phenotype. Last evaluated: 2024-01-20. Review status: criteria provided, single submitter. Criteria: Ambry Variant Classification Scheme 2023. Collection method: clinical testing. Allele origin: germline.
Comment: The p.C364Y variant (also known as c.1091G>A), located in coding exon 6 of the EPHB4 gene, results from a G to A substitution at nucleotide position 1091. The cysteine at codon 364 is replaced by tyrosine, an amino acid with highly dissimilar properties. This amino acid position is conserved. In addition, this alteration is predicted to be deleterious by in silico analysis. Based on the available evidence, the clinical significance of this alteration remains unclear.

NM_004444.5(EPHB4):c.1091G>A (p.Cys364Tyr)

Gene: EPHB4 (EPH receptor B4; minus strand). Cytogenetic location: 7q22.1.
Variant type: single nucleotide variant.
Coding change: c.1091G>A on transcript NM_004444.5 (MANE Select); coding-DNA position 1091, G replaced by A.
Protein change: p.Cys364Tyr; replaces cysteine 364 with tyrosine.
Molecular consequence: missense variant.
Genome position (GRCh38, 1-based): chr7:100,819,763, C>T on the plus strand (G>A on the coding strand, the complement: EPHB4 is on the minus strand). VCF-style: chr7-100819763-C-T. GRCh37 (hg19) VCF-style: chr7-100417385-C-T.
Other names: short protein forms C364Y.
Identifiers: ClinVar variation 3224263 (VCV003224263.1), dbSNP rs2485036114, ClinGen allele CA368576539.
Genomic context (GRCh38, chr7:100,819,763, plus strand): 5'-CGGGGGCCGGGGTCAAAAGTCAGGTCTCCCCCGCAGGGCGCACAGGAGCCTCCGGGTCGG[C>T]ACTCCCGGCAGCGGAGGGCGTAGGTGAGGTCCTCTCGGCCACCAGACTCCAGGGGGGCAC-3'
Protein context (NP_004435.3, residues 354-374): DLTYALRCRE[Cys364Tyr]RPGGSCAPCG